The following is an entry in ClinVar:

NM_001281740.3(FHOD3):c.3066T>A (p.Pro1022=)

Gene: FHOD3 (formin homology 2 domain containing 3; plus strand). Cytogenetic location: 18q12.2.
Variant type: single nucleotide variant.
Coding change: c.3066T>A on transcript NM_001281740.3 (MANE Select); coding-DNA position 3066, T replaced by A.
Protein change: p.Pro1022=; no amino-acid change (proline 1022 retained).
Molecular consequence: synonymous variant.
Genome position (GRCh38, 1-based): chr18:36,718,364, T>A. VCF-style: chr18-36718364-T-A. GRCh37 (hg19) VCF-style: chr18-34298327-T-A.
Other names: c.2490T>A, p.Pro830= (NM_001281739.3); c.2541T>A, p.Pro847= (NM_025135.5).
Identifiers: ClinVar variation 3037693 (VCV003037693.2), dbSNP rs1192111423, ClinGen allele CA503774989.

ClinVar aggregate classification (germline): Likely benign (0 of 4 stars; one submission).

Conditions:
FHOD3-related disorder. Also called: FHOD3-related condition.

Submission:

PreventionGenetics, part of Exact Sciences
Classification: Likely benign for FHOD3-related condition. Last evaluated: 2023-05-03. Review status: no assertion criteria provided. Collection method: clinical testing. Allele origin: germline.
Comment: This variant is classified as likely benign based on ACMG/AMP sequence variant interpretation guidelines (Richards et al. 2015 PMID: 25741868, with internal and published modifications).